The following is an entry in ClinVar:

NM_000478.6(ALPL):c.962G>A (p.Arg321Gln)

Gene: ALPL (alkaline phosphatase, biomineralization associated; plus strand). Cytogenetic location: 1p36.12.
Variant type: single nucleotide variant.
Coding change: c.962G>A on transcript NM_000478.6 (MANE Select); coding-DNA position 962, G replaced by A.
Protein change: p.Arg321Gln; replaces arginine 321 with glutamine.
Molecular consequence: missense variant.
Genome position (GRCh38, 1-based): chr1:21,573,764, G>A. VCF-style: chr1-21573764-G-A. GRCh37 (hg19) VCF-style: chr1-21900257-G-A.
Other names: c.962G>A, p.Arg321Gln (NM_001369803.2, NM_001369804.2, NM_001369805.2); c.797G>A, p.Arg266Gln (NM_001127501.4); c.731G>A, p.Arg244Gln (NM_001177520.3); c.962G>A (NM_000478.5); short protein forms R244Q, R266Q, R321Q.
Identifiers: ClinVar variation 1305668 (VCV001305668.7), dbSNP rs138679161, ClinGen allele CA666690.

ClinVar aggregate classification (germline): Uncertain significance. Review status: criteria provided, multiple submitters, no conflicts (2 of 4 stars). 5 submissions from 5 submitters: Uncertain significance (5). Last evaluated 2025-10-16.

Conditions:
ALPL-related disorder. Also called: ALPL-related condition; ALPL-related disorders.
Inborn genetic diseases. Identifiers: MedGen C0950123, MeSH D030342.

Allele frequency attached by ClinVar (database versions not stated): gnomAD 0.00001; gnomAD exomes 0.00002; TOPMed 0.00002; ExAC 0.00005; ESP Exome Variant Server 0.00008.
gnomAD v4.1: 33 of 1,614,000 alleles (0.002%); highest among the groups gnomAD compares: South Asian, 0.012%; no homozygotes.

Submissions (5):

PreventionGenetics, part of Exact Sciences
Classification: Uncertain significance for ALPL-related condition. Last evaluated: 2025-10-16. Review status: criteria provided, single submitter. Criteria: ACMG Guidelines, 2015. Collection method: clinical testing. Allele origin: germline.
Comment: The ALPL c.962G>A variant is predicted to result in the amino acid substitution p.Arg321Gln. To our knowledge, this variant has not been reported in the literature. This variant is reported in 0.013% of alleles in individuals of South Asian descent in gnomAD. At this time, the clinical significance of this variant is uncertain due to the absence of conclusive functional and genetic evidence.

Labcorp Genetics (formerly Invitae), Labcorp
Classification: Uncertain significance. Last evaluated: 2022-08-23. Review status: criteria provided, single submitter. Criteria: Invitae Variant Classification Sherloc (09022015). Collection method: clinical testing. Allele origin: germline.
Comment: This sequence change replaces arginine, which is basic and polar, with glutamine, which is neutral and polar, at codon 321 of the ALPL protein (p.Arg321Gln). This variant is present in population databases (rs138679161, gnomAD 0.01%). This variant has not been reported in the literature in individuals affected with ALPL-related conditions. ClinVar contains an entry for this variant (Variation ID: 1305668). Advanced modeling of protein sequence and biophysical properties (such as structural, functional, and spatial information, amino acid conservation, physicochemical variation, residue mobility, and thermodynamic stability) performed at Invitae indicates that this missense variant is not expected to disrupt ALPL protein function. In summary, the available evidence is currently insufficient to determine the role of this variant in disease. Therefore, it has been classified as a Variant of Uncertain Significance.

Ambry Genetics
Classification: Uncertain significance for Inborn genetic diseases. Last evaluated: 2021-10-26. Review status: criteria provided, single submitter. Criteria: Ambry Variant Classification Scheme 2023. Collection method: clinical testing. Allele origin: germline.

Revvity Omics, Revvity
Classification: Uncertain significance. Last evaluated: 2020-12-19. Review status: criteria provided, single submitter. Criteria: ACMG Guidelines, 2015. Collection method: clinical testing. Allele origin: germline.

GeneDx
Classification: Uncertain significance. Last evaluated: 2019-05-03. Review status: criteria provided, single submitter. Criteria: GeneDx Variant Classification Process June 2021. Collection method: clinical testing. Allele origin: germline. Affected: yes.
Comment: Has not been previously published as pathogenic or benign to our knowledge; In silico analysis, which includes protein predictors and evolutionary conservation, supports that this variant does not alter protein structure/function